The following is an entry in ClinVar:

NM_001042424.3(NSD2):c.3962C>T (p.Ser1321Phe)

Gene: NSD2 (nuclear receptor binding SET domain protein 2; plus strand). Cytogenetic location: 4p16.3.
Variant type: single nucleotide variant.
Coding change: c.3962C>T on transcript NM_001042424.3 (MANE Select); coding-DNA position 3962, C replaced by T.
Protein change: p.Ser1321Phe; replaces serine 1321 with phenylalanine.
Molecular consequence: missense variant.
Genome position (GRCh38, 1-based): chr4:1,978,773, C>T. VCF-style: chr4-1978773-C-T. GRCh37 (hg19) VCF-style: chr4-1980500-C-T.
Other names: c.3962C>T, p.Ser1321Phe (NM_133330.3, NM_133331.3, NM_133335.4); short protein forms S1321F.
Identifiers: ClinVar variation 2183195 (VCV002183195.4), dbSNP rs951676878, ClinGen allele CA91299891.
Genomic context (GRCh38, chr4:1,978,773, plus strand): 5'-ATTCGTTCTGTAAGGAGCACCAGGACGGGACAGCCTTCAGCTGCACCCCGGACGGGCGGT[C>T]CTACTGCTGTGAGCATGACTTAGGGGCGGCATCGGTCAGAAGCACCAAGACTGAGAAGCC-3'
Protein context (NP_001035889.1, residues 1311-1331): TAFSCTPDGR[Ser1321Phe]YCCEHDLGAA

ClinVar aggregate classification (germline): Uncertain significance (1 of 4 stars; one submission).

Allele frequency attached by ClinVar (database versions not stated): gnomAD exomes 0.00001; gnomAD 0.00002; TOPMed 0.00002.
gnomAD v4.1: 17 of 1,613,904 alleles (0.0011%); highest among the groups gnomAD compares: African/African-American, 0.0013%; no homozygotes.

Submission:

Labcorp Genetics (formerly Invitae), Labcorp
Classification: Uncertain significance. Last evaluated: 2022-06-10. Review status: criteria provided, single submitter. Criteria: Invitae Variant Classification Sherloc (09022015). Collection method: clinical testing. Allele origin: germline.
Comment: This sequence change replaces serine, which is neutral and polar, with phenylalanine, which is neutral and non-polar, at codon 1321 of the WHSC1 protein (p.Ser1321Phe). In summary, the available evidence is currently insufficient to determine the role of this variant in disease. Therefore, it has been classified as a Variant of Uncertain Significance. Algorithms developed to predict the effect of missense changes on protein structure and function (SIFT, PolyPhen-2, Align-GVGD) all suggest that this variant is likely to be tolerated. This variant has not been reported in the literature in individuals affected with WHSC1-related conditions. This variant is present in population databases (no rsID available, gnomAD 0.0009%).